The following is an entry in ClinVar:

NM_001164508.2(NEB):c.18809G>A (p.Arg6270Gln)

Gene: NEB (nebulin; minus strand). Cytogenetic location: 2q23.3.
Variant type: single nucleotide variant.
Coding change: c.18809G>A on transcript NM_001164508.2 (MANE Select); coding-DNA position 18809, G replaced by A.
Protein change: p.Arg6270Gln; replaces arginine 6270 with glutamine.
Molecular consequence: missense variant.
Genome position (GRCh38, 1-based): chr2:151,562,693, C>T on the plus strand (G>A on the coding strand, the complement: NEB is on the minus strand). VCF-style: chr2-151562693-C-T. GRCh37 (hg19) VCF-style: chr2-152419207-C-T.
Other names: c.13706G>A (NM_004543.4); c.18809G>A, p.Arg6270Gln (NM_001164507.2, NM_001271208.2); c.13706G>A, p.Arg4569Gln (NM_004543.5); short protein forms R6270Q, R4569Q.
Identifiers: ClinVar variation 647445 (VCV000647445.19), dbSNP rs372804439, ClinGen allele CA1907850.
Genomic context (GRCh38, chr2:151,562,693, plus strand): 5'-TTTCGGACGCGTATAACATTGGGTTCTTCCAGAAGAGACGTCCACTGGTGGAAATAGTGT[C>T]GATACTCCAGGTCACTGAGGATGTACTGGCACCTTTTAGCCAGCACGTGATTCATCATGT-3'
Protein context (NP_001157980.2, residues 6260-6280): CQYILSDLEY[Arg6270Gln]HYFHQWTSLL

ClinVar aggregate classification (germline): Conflicting classifications of pathogenicity. Review status: criteria provided, conflicting classifications (1 of 4 stars). 7 submissions from 7 submitters: Uncertain significance (3); Benign (1); Likely benign (2). 1 of the submissions does not count toward it. Last evaluated 2026-02-06.

Conditions:
Nemaline myopathy 2 (NEM2). Also called: Nemaline myopathy 2, autosomal recessive. Identifiers: MedGen C1850569, MONDO:0009725, OMIM 256030.
Inborn genetic diseases. Identifiers: MedGen C0950123, MeSH D030342.
NEB-related disorder. Also called: NEB-related condition; NEB-Related Disorders.

Allele frequency attached by ClinVar (database versions not stated): TOPMed 0.00011; gnomAD 0.00012 and 0.00013; gnomAD exomes 0.00016; ExAC 0.00018; 1000 Genomes Project 30x 0.00078; 1000 Genomes Project 0.00080.
gnomAD v4.1: 119 of 1,605,928 alleles (0.0074%); highest among the groups gnomAD compares: East Asian, 0.11%; 3 homozygotes.

Submissions (7):

PreventionGenetics, part of Exact Sciences
Classification: Likely benign for NEB-related condition. Last evaluated: 2026-02-06. Review status: criteria provided, single submitter. Criteria: ACMG Guidelines, 2015. Collection method: clinical testing. Allele origin: germline.
Comment: This variant is classified as likely benign based on ACMG/AMP sequence variant interpretation guidelines (Richards et al. 2015 PMID: 25741868, with internal and published modifications).

Labcorp Genetics (formerly Invitae), Labcorp
Classification: Benign for Nemaline myopathy 2. Last evaluated: 2026-01-26. Review status: criteria provided, single submitter. Criteria: Invitae Variant Classification Sherloc (09022015). Collection method: clinical testing. Allele origin: germline.

GeneDx
Classification: Uncertain significance. Last evaluated: 2025-08-20. Review status: criteria provided, single submitter. Criteria: GeneDx Variant Classification Process June 2021. Collection method: clinical testing. Allele origin: germline. Affected: yes.
Comment: In silico analysis supports that this missense variant has a deleterious effect on protein structure/function; Has not been previously published as pathogenic or benign to our knowledge

Revvity Omics, Revvity
Classification: Likely benign. Last evaluated: 2024-12-12. Review status: criteria provided, single submitter. Criteria: ACMG Guidelines, 2015. Collection method: clinical testing. Allele origin: germline.

Ambry Genetics
Classification: Uncertain significance for Inborn genetic diseases. Last evaluated: 2024-12-10. Review status: criteria provided, single submitter. Criteria: Ambry Variant Classification Scheme 2023. Collection method: clinical testing. Allele origin: germline.

Blueprint Genetics
Classification: Uncertain significance. Last evaluated: 2024-06-18. Review status: criteria provided, single submitter. Criteria: ACMG Guidelines, 2015. Collection method: clinical testing. Allele origin: germline.

Natera, Inc.
Classification: Uncertain significance for Nemaline myopathy type 2. Last evaluated: 2020-01-17. Review status: no assertion criteria provided. Collection method: clinical testing. Allele origin: germline. Not counted in ClinVar's aggregate classification.